The following is an entry in ClinVar:

NM_145167.3(PIGM):c.756A>G (p.Glu252=)

Gene: PIGM (phosphatidylinositol glycan anchor biosynthesis class M; minus strand). Cytogenetic location: 1q23.2.
Variant type: single nucleotide variant.
Coding change: c.756A>G on transcript NM_145167.3 (MANE Select); coding-DNA position 756, A replaced by G.
Protein change: p.Glu252=; no amino-acid change (glutamic acid 252 retained).
Molecular consequence: synonymous variant.
Genome position (GRCh38, 1-based): chr1:160,030,984, T>C on the plus strand (A>G on the coding strand, the complement: PIGM is on the minus strand). VCF-style: chr1-160030984-T-C. GRCh37 (hg19) VCF-style: chr1-160000774-T-C.
Identifiers: ClinVar variation 2639491 (VCV002639491.25), dbSNP rs763115687, ClinGen allele CA1192982.

ClinVar aggregate classification (germline): Conflicting classifications of pathogenicity. Review status: criteria provided, conflicting classifications (1 of 4 stars). 2 submissions from 2 submitters: Uncertain significance (1); Likely benign (1). Last evaluated 2025-10-04.

Conditions:
Hypercoagulability syndrome due to glycosylphosphatidylinositol deficiency (GPIBD1). Also called: GLYCOSYLPHOSPHATIDYLINOSITOL BIOSYNTHESIS DEFECT 1. Identifiers: Orphanet 83639, MedGen C5201145, MONDO:0012465, OMIM 610293.

Allele frequency attached by ClinVar (database versions not stated): gnomAD 0.00003.
gnomAD v4.1: 21 of 1,614,080 alleles (0.0013%); highest among the groups gnomAD compares: East Asian, 0.013%; no homozygotes.

Submissions (2):

Labcorp Genetics (formerly Invitae), Labcorp
Classification: Uncertain significance for Hypercoagulability syndrome due to glycosylphosphatidylinositol deficiency. Last evaluated: 2025-10-04. Review status: criteria provided, single submitter. Criteria: Invitae Variant Classification Sherloc (09022015). Collection method: clinical testing. Allele origin: germline.
Comment: This sequence change affects codon 252 of the PIGM mRNA. It is a 'silent' change, meaning that it does not change the encoded amino acid sequence of the PIGM protein. This variant is present in population databases (rs763115687, gnomAD 0.01%). This variant has not been reported in the literature in individuals affected with PIGM-related conditions. ClinVar contains an entry for this variant (Variation ID: 2639491). In summary, the available evidence is currently insufficient to determine the role of this variant in disease. Therefore, it has been classified as a Variant of Uncertain Significance.

CeGaT Center for Human Genetics Tuebingen
Classification: Likely benign. Last evaluated: 2023-10-01. Review status: criteria provided, single submitter. Criteria: CeGaT Center For Human Genetics Tuebingen Variant Classification Criteria Version 2. Collection method: clinical testing. Allele origin: germline. Affected: yes. Observed: 1 variant allele.
Comment: PIGM: BP4, BP7